The following is an entry in ClinVar:

NM_000059.4(BRCA2):c.383A>G (p.Asp128Gly)

Gene: BRCA2 (BRCA2 DNA repair associated; plus strand). Cytogenetic location: 13q13.1.
Variant type: single nucleotide variant.
Coding change: c.383A>G on transcript NM_000059.4 (MANE Select); coding-DNA position 383, A replaced by G.
Protein change: p.Asp128Gly; replaces aspartic acid 128 with glycine.
Molecular consequence: missense variant.
Genome position (GRCh38, 1-based): chr13:32,325,142, A>G. VCF-style: chr13-32325142-A-G. GRCh37 (hg19) VCF-style: chr13-32899279-A-G.
Other names: short protein forms D128G.
Identifiers: ClinVar variation 51538 (VCV000051538.42), dbSNP rs80358627, ClinGen allele CA018912.
Genomic context (GRCh38, chr13:32,325,142, plus strand): 5'-ATGTTCCCAATAGTAGACATAAAAGTCTTCGCACAGTGAAAACTAAAATGGATCAAGCAG[A>G]TGATGTTTCCTGTCCACTTCTAAATTCTTGTCTTAGTGAAAGGTATGATGAAGCTATTAT-3'
Protein context (NP_000050.3, residues 118-138): RTVKTKMDQA[Asp128Gly]DVSCPLLNSC

ClinVar aggregate classification (germline): Conflicting classifications of pathogenicity. Review status: criteria provided, conflicting classifications (1 of 4 stars). 15 submissions from 15 submitters: Uncertain significance (11); Likely benign (3). 1 of the submissions does not count toward it. Last evaluated 2025-11-05.

Conditions:
Hereditary cancer-predisposing syndrome. Also called: Neoplastic Syndromes, Hereditary; Tumor predisposition; Hereditary Cancer Syndrome; Hereditary neoplastic syndrome. Identifiers: Orphanet 140162, MedGen C0027672, MeSH D009386, MONDO:0015356.
Hereditary breast ovarian cancer syndrome. Also called: Breast and ovarian cancer; BRCA1- and BRCA2-Associated Hereditary Breast and Ovarian Cancer; Hereditary breast and ovarian cancer syndrome; Hereditary breast and/or ovarian cancer syndrome; Hereditary breast and ovarian cancer syndrome (HBOC); Hereditary breast and ovarian cancer. Identifiers: Orphanet 145, MedGen C0677776, MeSH D061325, MONDO:0003582. Disease mechanism: loss of function.
Breast-ovarian cancer, familial, susceptibility to, 2 (BROVCA2). Also called: BRCA2 Hereditary Breast and Ovarian Cancer. Identifiers: Orphanet 145, MedGen C2675520, MONDO:0012933, OMIM 612555. Disease mechanism: loss of function.
Familial cancer of breast. Also called: Hereditary breast cancer; hereditary breast carcinoma; BREAST CANCER, FAMILIAL. Identifiers: Orphanet 227535, MedGen C0346153, MONDO:0016419, OMIM 114480. Disease mechanism: loss of function.

Allele frequency attached by ClinVar (database versions not stated): gnomAD below 0.00001 and 0.00001; gnomAD exomes below 0.00001; TOPMed 0.00002.
gnomAD v4.1: 6 of 1,608,444 alleles (0.00037%); highest among the groups gnomAD compares: East Asian, 0.0022%; no homozygotes.

Submissions 1 to 9 of 15:

Labcorp Genetics (formerly Invitae), Labcorp
Classification: Uncertain significance for Hereditary breast ovarian cancer syndrome. Last evaluated: 2025-11-05. Review status: criteria provided, single submitter. Criteria: Invitae Variant Classification Sherloc (09022015). Collection method: clinical testing. Allele origin: germline.
Comment: This sequence change replaces aspartic acid, which is acidic and polar, with glycine, which is neutral and non-polar, at codon 128 of the BRCA2 protein (p.Asp128Gly). This variant is present in population databases (rs80358627, gnomAD 0.0009%). This missense change has been observed in individual(s) with personal or family history of colorectal cancer, breast cancer, and/or prostate cancer (PMID: 10690392, 24814045, 31214711, 33606809, 34413315, 35264596). ClinVar contains an entry for this variant (Variation ID: 51538). Invitae Evidence Modeling of protein sequence and biophysical properties (such as structural, functional, and spatial information, amino acid conservation, physicochemical variation, residue mobility, and thermodynamic stability) indicates that this missense variant is not expected to disrupt BRCA2 protein function with a negative predictive value of 95%. RNA analysis performed to evaluate the impact of this missense change on mRNA splicing indicates it does not significantly alter splicing (internal data). In summary, the available evidence is currently insufficient to determine the role of this variant in disease. Therefore, it has been classified as a Variant of Uncertain Significance.

Women's Health and Genetics/Laboratory Corporation of America, LabCorp
Classification: Uncertain significance. Last evaluated: 2025-06-26. Review status: criteria provided, single submitter. Criteria: LabCorp Variant Classification Summary - May 2015. Collection method: clinical testing. Allele origin: germline.
Comment: Variant summary: BRCA2 c.383A>G (p.Asp128Gly) results in a non-conservative amino acid change in the encoded protein sequence. Algorithms developed to predict the effect of missense changes on protein structure and function are either unavailable or do not agree on the potential impact of this missense change. The variant allele was found at a frequency of 1e-05 in 298614 control chromosomes. The available data on variant occurrences in the general population are insufficient to allow any conclusion about variant significance. c.383A>G has been observed in settings of multi-gene panel testing in individuals affected with breast cancer or personal and/or family history of cancer, often reported as a VUS (e.g. Li_2020, Sandoval_2021, Herzog_2021, Guindalini_2022, deOliveira_2022, Gifoni_2022), in colorectal cancer (Garre_2014), or male breast cancer (e.g. Diez_2002), in all cases without evidence of causality. These report(s) do not provide unequivocal conclusions about association of the variant with Hereditary Breast And Ovarian Cancer Syndrome. To our knowledge, no experimental evidence demonstrating an impact on protein function has been reported. The following publications have been ascertained in the context of this evaluation (PMID: 10690392, 30883759, 24814045, 35957908, 35264596, 34413315, 31853058, 30287823, 33606809, 35534704). ClinVar contains an entry for this variant (Variation ID: 51538). Based on the evidence outlined above, the variant was classified as uncertain significance.

Molecular Pathology, Peter Maccallum Cancer Centre
Classification: Uncertain significance for Breast-ovarian cancer, familial, susceptibility to, 2. Last evaluated: 2025-04-16. Review status: criteria provided, single submitter. Criteria: ACMG Guidelines, 2015. Collection method: clinical testing. Allele origin: germline. Inheritance: Autosomal dominant inheritance.

Catlab - Consorci Sanitari de Terrassa
Classification: Likely benign for Hereditary cancer-predisposing syndrome. Last evaluated: 2025-02-19. Review status: criteria provided, single submitter. Criteria: ClinGen BRCA1BRCA2 ACMG Specifications BRCA2 V1.2.0. Collection method: clinical testing. Allele origin: germline.
Comment: Based on currently available information, this variant should be considered as Likely Benign according to ClinGen-BRCA2 v1.2.0 guidelines. PP3, BP7_strong(RNA); point system classification.

Quest Diagnostics Nichols Institute San Juan Capistrano
Classification: Uncertain significance. Last evaluated: 2025-02-18. Review status: criteria provided, single submitter. Criteria: Quest Diagnostics criteria. Collection method: clinical testing. Allele origin: unknown.
Comment: The BRCA2 c.383A>G (p.Asp128Gly) variant has been reported in the published literature in individuals with a personal and/or family history of breast and/or ovarian cancer (PMIDs: 35534704 (2022), 35264596 (2022), 33471991 (2021), 31853058 (2020), 10690392 (2000), see also LOVD). In addition, the variant has been reported in individuals with colorectal cancer (PMID: 24814045 (2014)) and in reportedly healthy individuals (PMIDs: 30287823 (2018), 33471991 (2021), see also LOVD). The frequency of this variant in the general population (Genome Aggregation Database) is uninformative in the assessment of its pathogenicity. Analysis of this variant using bioinformatics tools for the prediction of the effect of amino acid changes on protein structure and function yielded predictions that this variant is benign. Based on the available information, we are unable to determine the clinical significance of this variant.

Ambry Genetics
Classification: Likely benign for Hereditary cancer-predisposing syndrome. Last evaluated: 2024-10-23. Review status: criteria provided, single submitter. Criteria: Ambry Variant Classification Scheme 2023. Collection method: clinical testing. Allele origin: germline.

German Consortium for Hereditary Breast and Ovarian Cancer, University Hospital Cologne
Classification: Likely benign for Hereditary breast ovarian cancer syndrome. Last evaluated: 2024-07-09. Review status: criteria provided, single submitter. Criteria: ClinGen BRCA2 V1.1.0. Collection method: curation. Allele origin: germline.
Comment: Kriterien überprüfen nach ENIGMA Entscheidungsbaum; According to the ClinGen ENIGMA BRCA2 v1.1.0 criteria we chose these criteria: PP3 (supporting pathogenic): SpliceAI: BRCA2: 0.39 , BP7 (strong benign): BP7_STR(RNA); Fraile Bethencourt 2019 Minigene Exons 2–9: Full-Length Transcript 78%; Appendices Guidelines Tbl.9: Cutoff Referenztranskript 30%

Baylor Genetics
Classification: Uncertain significance for Familial cancer of breast. Last evaluated: 2024-02-08. Review status: criteria provided, single submitter. Criteria: ACMG Guidelines, 2015. Collection method: clinical testing. Allele origin: unknown.

All of Us Research Program, National Institutes of Health
Classification: Uncertain significance for Breast-ovarian cancer, familial, susceptibility to, 2. Last evaluated: 2023-12-13. Review status: criteria provided, single submitter. Criteria: ACMG Guidelines, 2015. Collection method: clinical testing. Allele origin: germline. Inheritance: Autosomal dominant inheritance. Observed: 2 variant alleles, 2 heterozygotes.
Comment: This missense variant replaces aspartic acid with glycine at codon 128 of the BRCA2 protein. Computational prediction suggests that this variant may not impact protein structure and function (internally defined REVEL score threshold <= 0.5, PMID: 27666373). A minigene splicing assay has reported a partial splicing defect for this variant (PMID: 30883759). To our knowledge, protein functional studies have not been performed for this variant. This variant has been reported in one individual each affected with breast cancer and colorectal cancer and in two individuals affected with prostate cancer (PMID: 10690392, 24814045, 31214711, 33471991; Leiden Open Variation Database DB-ID BRCA2_006255). This variant also has been reported in at least three individuals unaffected with cancer in breast and pancreatic cancer case-control studies (PMID: 30287823, 32980694, 33471991; Leiden Open Variation Database DB-ID BRCA2_006255). This variant has been identified in 1/251152 chromosomes in the general population by the Genome Aggregation Database (gnomAD). The available evidence is insufficient to determine the role of this variant in disease conclusively. Therefore, this variant is classified as a Variant of Uncertain Significance.

This study involves interpretation of variants in research participants for the purpose of population health screening. Participant phenotype was not available at the time of variant classification. Additional details can be found in publication PMID: 35346344, PMCID: PMC8962531